The following is an entry in ClinVar:

NM_001142864.4(PIEZO1):c.3975C>T (p.Phe1325=)

Gene: PIEZO1 (piezo type mechanosensitive ion channel component 1 (Er blood group); minus strand). Cytogenetic location: 16q24.3.
Variant type: single nucleotide variant.
Coding change: c.3975C>T on transcript NM_001142864.4 (MANE Select); coding-DNA position 3975, C replaced by T.
Protein change: p.Phe1325=; no amino-acid change (phenylalanine 1325 retained).
Molecular consequence: synonymous variant.
Genome position (GRCh38, 1-based): chr16:88,725,678, G>A on the plus strand (C>T on the coding strand, the complement: PIEZO1 is on the minus strand). VCF-style: chr16-88725678-G-A. GRCh37 (hg19) VCF-style: chr16-88792086-G-A.
Other names: c.2517C>T, p.Phe839= (NM_014745.1).
Identifiers: ClinVar variation 3046978 (VCV003046978.9), dbSNP rs909268631, ClinGen allele CA286412997.

ClinVar aggregate classification (germline): Likely benign. Review status: criteria provided, single submitter (1 of 4 stars). 2 submissions from 2 submitters: Likely benign (1). 1 of the submissions does not count toward it. Last evaluated 2025-09-01.

Conditions:
PIEZO1-related disorder. Also called: PIEZO1-Related Disorders; PIEZO1-related condition.

Allele frequency attached by ClinVar (database versions not stated): gnomAD 0.00003; gnomAD exomes 0.00005; TOPMed 0.00005.
gnomAD v4.1: 80 of 1,539,474 alleles (0.0052%); highest among the groups gnomAD compares: African/African-American, 0.0069%; no homozygotes.

Submissions (2):

CeGaT Center for Human Genetics Tuebingen
Classification: Likely benign. Last evaluated: 2025-09-01. Review status: criteria provided, single submitter. Criteria: CeGaT Center For Human Genetics Tuebingen Variant Classification Criteria Version 2. Collection method: clinical testing. Allele origin: germline. Affected: yes. Observed: 1 variant allele.
Comment: PIEZO1: BP4, BP7

PreventionGenetics, part of Exact Sciences
Classification: Likely benign for PIEZO1-related condition. Last evaluated: 2020-07-08. Review status: no assertion criteria provided. Collection method: clinical testing. Allele origin: germline. Not counted in ClinVar's aggregate classification.
Comment: This variant is classified as likely benign based on ACMG/AMP sequence variant interpretation guidelines (Richards et al. 2015 PMID: 25741868, with internal and published modifications).